The following is an entry in ClinVar:

NM_003743.5(NCOA1):c.82G>A (p.Ala28Thr)

Gene: NCOA1 (nuclear receptor coactivator 1; plus strand). Cytogenetic location: 2p23.3.
Variant type: single nucleotide variant.
Coding change: c.82G>A on transcript NM_003743.5 (MANE Select); coding-DNA position 82, G replaced by A.
Protein change: p.Ala28Thr; replaces alanine 28 with threonine.
Molecular consequence: missense variant.
Genome position (GRCh38, 1-based): chr2:24,658,759, G>A. VCF-style: chr2-24658759-G-A. GRCh37 (hg19) VCF-style: chr2-24881628-G-A.
Other names: c.82G>A, p.Ala28Thr (NM_001362950.1, NM_001362952.1, NM_001362954.1 and 3 more transcripts); short protein forms A28T.
Identifiers: ClinVar variation 4983995 (VCV004983995.1).

ClinVar aggregate classification (germline): Uncertain significance (1 of 4 stars; one submission).

Conditions:
NCOA1-related disorder. Also called: NCOA1-related condition.

gnomAD v4.1: 3 of 1,613,958 alleles (0.00019%); highest among the groups gnomAD compares: Middle Eastern, 0.033%; no homozygotes.

Submission:

PreventionGenetics, part of Exact Sciences
Classification: Uncertain significance for NCOA1-related condition. Last evaluated: 2025-10-17. Review status: criteria provided, single submitter. Criteria: ACMG Guidelines, 2015. Collection method: clinical testing. Allele origin: germline.
Comment: The NCOA1 c.82G>A variant is predicted to result in the amino acid substitution p.Ala28Thr. To our knowledge, this variant has not been reported in the literature or in a large population database (gnomAD), indicating this variant is rare. At this time, the clinical significance of this variant is uncertain due to the absence of conclusive functional and genetic evidence.